The following is an entry in ClinVar:

ClinVar aggregate classification (germline): Uncertain significance (1 of 4 stars; one submission).

Conditions:
Hereditary cancer-predisposing syndrome. Also called: Tumor predisposition; Hereditary Cancer Syndrome; Neoplastic Syndromes, Hereditary; Hereditary neoplastic syndrome. Identifiers: Orphanet 140162, MedGen C0027672, MeSH D009386, MONDO:0015356.

Submission:

Ambry Genetics
Classification: Uncertain significance for Hereditary cancer-predisposing syndrome. Last evaluated: 2024-09-12. Review status: criteria provided, single submitter. Criteria: Ambry Variant Classification Scheme 2023. Collection method: clinical testing. Allele origin: germline.
Comment: The p.C1948S variant (also known as c.5843G>C), located in coding exon 38 of the ATM gene, results from a G to C substitution at nucleotide position 5843. The cysteine at codon 1948 is replaced by serine, an amino acid with dissimilar properties. This amino acid position is conserved. In addition, this alteration is predicted to be deleterious by in silico analysis. Based on the available evidence, the clinical significance of this variant remains unclear.

NM_000051.4(ATM):c.5843G>C (p.Cys1948Ser)

Genes: ATM (ATM serine/threonine kinase; plus strand), C11orf65 (chromosome 11 open reading frame 65; minus strand). Cytogenetic location: 11q22.3.
Variant type: single nucleotide variant.
Coding change: c.5843G>C on transcript NM_000051.4 (MANE Select); coding-DNA position 5843, G replaced by C.
Protein change: p.Cys1948Ser; replaces cysteine 1948 with serine.
Molecular consequence: missense variant. On other transcripts: intron variant (2).
Genome position (GRCh38, 1-based): chr11:108,310,240, G>C. VCF-style: chr11-108310240-G-C. GRCh37 (hg19) VCF-style: chr11-108180967-G-C.
Other names: c.5843G>C, p.Cys1948Ser (NM_001351834.2); c.641-1169C>G (NM_001330368.2); c.*39-1169C>G (NM_001351110.2); short protein forms C1948S.
Identifiers: ClinVar variation 3451278 (VCV003451278.1).